The following is an entry in ClinVar:

ClinVar aggregate classification (germline): Uncertain significance. Review status: criteria provided, multiple submitters, no conflicts (2 of 4 stars). 3 submissions from 3 submitters: Uncertain significance (3). Last evaluated 2026-08-30.

Conditions:
Inborn genetic diseases. Identifiers: MedGen C0950123, MeSH D030342.
SLC9A6-related disorder. Also called: SLC9A6-related condition.
Christianson syndrome (MRXSCH). Also called: X-linked mental retardation, syndromic, Christianson type; SLC9A6-Related Syndromic Mental Retardation; INTELLECTUAL DEVELOPMENTAL DISORDER, X-LINKED, SYNDROMIC, CHRISTIANSON TYPE. Identifiers: Orphanet 85278, MedGen C2678194, MONDO:0010278, OMIM 300243.

Submissions (3):

PreventionGenetics, part of Exact Sciences
Classification: Uncertain significance for SLC9A6-related condition. Last evaluated: 2026-08-30. Review status: criteria provided, single submitter. Criteria: ACMG Guidelines, 2015. Collection method: clinical testing. Allele origin: germline.
Comment: The SLC9A6 c.1192G>A variant is predicted to result in the amino acid substitution p.Gly398Arg. To our knowledge, this variant has not been reported in the literature or in a large population database (gnomAD), indicating this variant is rare. At this time, the clinical significance of this variant is uncertain due to the absence of conclusive functional and genetic evidence.

Ambry Genetics
Classification: Uncertain significance for Inborn genetic diseases. Last evaluated: 2026-02-18. Review status: criteria provided, single submitter. Criteria: Ambry Variant Classification Scheme 2023. Collection method: clinical testing. Allele origin: germline.
Comment: The c.1192G>A (p.G398R) alteration is located in exon 10 (coding exon 10) of the SLC9A6 gene. This alteration results from a G to A substitution at nucleotide position 1192, causing the glycine (G) at amino acid position 398 to be replaced by an arginine (R). This variant was not reported in population-based cohorts in the Genome Aggregation Database (gnomAD). This amino acid position is highly conserved in available vertebrate species. This alteration is predicted to be deleterious by in silico analysis. Based on insufficient or conflicting evidence, the clinical significance of this alteration remains unclear.

Labcorp Genetics (formerly Invitae), Labcorp
Classification: Uncertain significance for Christianson syndrome. Last evaluated: 2022-02-12. Review status: criteria provided, single submitter. Criteria: Invitae Variant Classification Sherloc (09022015). Collection method: clinical testing. Allele origin: germline.
Comment: In summary, the available evidence is currently insufficient to determine the role of this variant in disease. Therefore, it has been classified as a Variant of Uncertain Significance. Algorithms developed to predict the effect of missense changes on protein structure and function are either unavailable or do not agree on the potential impact of this missense change (SIFT: "Deleterious"; PolyPhen-2: "Probably Damaging"; Align-GVGD: "Class C0"). This variant has not been reported in the literature in individuals affected with SLC9A6-related conditions. This variant is not present in population databases (gnomAD no frequency). This sequence change replaces glycine, which is neutral and non-polar, with arginine, which is basic and polar, at codon 398 of the SLC9A6 protein (p.Gly398Arg).

NM_001379110.1(SLC9A6):c.1132G>A (p.Gly378Arg)

Gene: SLC9A6 (solute carrier family 9 member A6; plus strand). Cytogenetic location: Xq26.3.
Variant type: single nucleotide variant.
Coding change: c.1132G>A on transcript NM_001379110.1 (MANE Select); coding-DNA position 1132, G replaced by A.
Protein change: p.Gly378Arg; replaces glycine 378 with arginine.
Molecular consequence: missense variant.
Genome position (GRCh38, 1-based): chrX:136,016,696, G>A. VCF-style: chrX-136016696-G-A. GRCh37 (hg19) VCF-style: chrX-135098855-G-A.
Other names: c.1288G>A, p.Gly430Arg (NM_001042537.2); c.1132G>A, p.Gly378Arg (NM_001177651.2, NM_001400909.1, NM_001400910.1 and 2 more transcripts); c.1036G>A, p.Gly346Arg (NM_001330652.2, NM_001400913.1); c.1192G>A, p.Gly398Arg (NM_006359.3); c.1192G>A (NM_006359.2); short protein forms G346R, G378R, G398R, G430R.
Identifiers: ClinVar variation 2097108 (VCV002097108.6), dbSNP rs868989505, ClinGen allele CA414752799.
Genomic context (GRCh38, chrX:136,016,696, plus strand): 5'-TCGTTTCAGTTGTTTGAGCTTCTCAATTTCTTGGCAGAGAATTTCATCTTCTCCTACATG[G>A]GGCTGACACTGTTCACCTTCCAGAACCATGTCTTTAACCCAACATTTGTAGTAGGAGCAT-3'
Protein context (NP_001366039.1, residues 368-388): LAENFIFSYM[Gly378Arg]LTLFTFQNHV